The following is an entry in ClinVar:

NM_004820.5(CYP7B1):c.94G>T (p.Ala32Ser)

Gene: CYP7B1 (cytochrome P450 family 7 subfamily B member 1; minus strand). Cytogenetic location: 8q12.3.
Variant type: single nucleotide variant.
Coding change: c.94G>T on transcript NM_004820.5 (MANE Select); coding-DNA position 94, G replaced by T.
Protein change: p.Ala32Ser; replaces alanine 32 with serine.
Molecular consequence: missense variant.
Genome position (GRCh38, 1-based): chr8:64,798,494, C>A on the plus strand (G>T on the coding strand, the complement: CYP7B1 is on the minus strand). VCF-style: chr8-64798494-C-A. GRCh37 (hg19) VCF-style: chr8-65711051-C-A.
Other names: p.Ala32Ser; c.94G>T, p.Ala32Ser (NM_001324112.2); c.94G>T (NM_004820.4); short protein forms A32S.
Identifiers: ClinVar variation 500781 (VCV000500781.58), dbSNP rs181854355, ClinGen allele CA4764306.

ClinVar aggregate classification (germline): Conflicting classifications of pathogenicity. Review status: criteria provided, conflicting classifications (1 of 4 stars). 8 submissions from 8 submitters: Uncertain significance (3); Benign (1); Likely benign (3). 1 of the submissions does not count toward it. Last evaluated 2026-02-02.

Conditions:
CYP7B1-related disorder. Also called: CYP7B1-related condition.
Spastic paraplegia. Identifiers: MedGen C0037772, HP:0001258.
Hereditary spastic paraplegia 5A (SPG5A). Also called: SPASTIC PARAPLEGIA 5A, AUTOSOMAL RECESSIVE. Identifiers: Orphanet 100986, MedGen C1849115, MONDO:0010047, OMIM 270800.

Allele frequency attached by ClinVar (database versions not stated): ExAC below 0.00001; ESP Exome Variant Server 0.00014; 1000 Genomes Project 30x 0.00031; TOPMed 0.00039; 1000 Genomes Project 0.00040; gnomAD exomes 0.00056.
gnomAD v4.1: 688 of 1,512,816 alleles (0.045%); highest among the groups gnomAD compares: Non-Finnish European, 0.033%; 2 homozygotes.

Submissions (8):

Labcorp Genetics (formerly Invitae), Labcorp
Classification: Benign for Spastic paraplegia. Last evaluated: 2026-02-02. Review status: criteria provided, single submitter. Criteria: Invitae Variant Classification Sherloc (09022015). Collection method: clinical testing. Allele origin: germline.

CeGaT Center for Human Genetics Tuebingen
Classification: Uncertain significance. Last evaluated: 2025-05-01. Review status: criteria provided, single submitter. Criteria: CeGaT Center For Human Genetics Tuebingen Variant Classification Criteria Version 2. Collection method: clinical testing. Allele origin: germline. Affected: yes. Observed: 2 variant alleles.

Mayo Clinic Laboratories, Mayo Clinic
Classification: Likely benign. Last evaluated: 2025-04-15. Review status: criteria provided, single submitter. Criteria: ACMG Guidelines, 2015. Collection method: clinical testing. Allele origin: germline. Observed: 3 variant alleles.
Comment: BS1, BP4

Athena Diagnostics
Classification: Likely benign. Last evaluated: 2024-12-24. Review status: criteria provided, single submitter. Criteria: Athena Diagnostics Criteria. Collection method: clinical testing. Allele origin: unknown.
Comment: The frequency of this variant in the general population is higher than would generally be expected for pathogenic variants in this gene. Computational tools predict this amino acid change may be benign.

Blueprint Genetics
Classification: Likely benign. Last evaluated: 2024-10-14. Review status: criteria provided, single submitter. Criteria: ACMG Guidelines, 2015. Collection method: clinical testing. Allele origin: germline.

Illumina Laboratory Services, Illumina
Classification: Uncertain significance for Hereditary spastic paraplegia 5A. Last evaluated: 2018-01-13. Review status: criteria provided, single submitter. Criteria: ICSL Variant Classification Criteria 13 December 2019. Collection method: clinical testing. Allele origin: germline.

Eurofins Ntd Llc (ga)
Classification: Uncertain significance. Last evaluated: 2018-01-09. Review status: criteria provided, single submitter. Criteria: EGL Classification Definitions 2015. Collection method: clinical testing. Allele origin: germline. Observed: 2 variant alleles, 2 heterozygotes.

PreventionGenetics, part of Exact Sciences
Classification: Benign for CYP7B1-related condition. Last evaluated: 2024-05-29. Review status: no assertion criteria provided. Collection method: clinical testing. Allele origin: germline. Not counted in ClinVar's aggregate classification.
Comment: This variant is classified as benign based on ACMG/AMP sequence variant interpretation guidelines (Richards et al. 2015 PMID: 25741868, with internal and published modifications).

Literature cited by the submitters: PubMed 33652732 (cited by Athena Diagnostics).